The following is an entry in ClinVar:

NM_006846.4(SPINK5):c.2651T>C (p.Met884Thr)

Gene: SPINK5 (serine peptidase inhibitor Kazal type 5; plus strand). Cytogenetic location: 5q32.
Variant type: single nucleotide variant.
Coding change: c.2651T>C on transcript NM_006846.4 (MANE Select); coding-DNA position 2651, T replaced by C.
Protein change: p.Met884Thr; replaces methionine 884 with threonine.
Molecular consequence: missense variant.
Genome position (GRCh38, 1-based): chr5:148,123,945, T>C. VCF-style: chr5-148123945-T-C. GRCh37 (hg19) VCF-style: chr5-147503508-T-C.
Other names: c.2651T>C, p.Met884Thr (NM_001127698.2, NM_001127699.2); c.2651T>C (NM_006846.3); short protein forms M884T.
Identifiers: ClinVar variation 1010468 (VCV001010468.7), dbSNP rs773543821, ClinGen allele CA3496049.

ClinVar aggregate classification (germline): Uncertain significance. Review status: criteria provided, multiple submitters, no conflicts (2 of 4 stars). 2 submissions from 2 submitters: Uncertain significance (2). Last evaluated 2025-04-07.

Conditions:
Inborn genetic diseases. Identifiers: MedGen C0950123, MeSH D030342.
Ichthyosis linearis circumflexa. Identifiers: MedGen C0265962, MONDO:0043106, HP:0025810.

Allele frequency attached by ClinVar (database versions not stated): gnomAD 0.00001 and 0.00002; gnomAD exomes 0.00001 and 0.00004; TOPMed 0.00001; ExAC 0.00002.
gnomAD v4.1: 20 of 1,613,944 alleles (0.0012%); highest among the groups gnomAD compares: East Asian, 0.011%; no homozygotes.

Submissions (2):

Labcorp Genetics (formerly Invitae), Labcorp
Classification: Uncertain significance for Ichthyosis linearis circumflexa. Last evaluated: 2025-04-07. Review status: criteria provided, single submitter. Criteria: Invitae Variant Classification Sherloc (09022015). Collection method: clinical testing. Allele origin: germline.
Comment: This sequence change replaces methionine, which is neutral and non-polar, with threonine, which is neutral and polar, at codon 884 of the SPINK5 protein (p.Met884Thr). This variant is present in population databases (rs773543821, gnomAD 0.02%). This variant has not been reported in the literature in individuals affected with SPINK5-related conditions. ClinVar contains an entry for this variant (Variation ID: 1010468). Invitae Evidence Modeling of protein sequence and biophysical properties (such as structural, functional, and spatial information, amino acid conservation, physicochemical variation, residue mobility, and thermodynamic stability) indicates that this missense variant is expected to disrupt SPINK5 protein function with a positive predictive value of 80%. In summary, the available evidence is currently insufficient to determine the role of this variant in disease. Therefore, it has been classified as a Variant of Uncertain Significance.

Ambry Genetics
Classification: Uncertain significance for Inborn genetic diseases. Last evaluated: 2024-12-05. Review status: criteria provided, single submitter. Criteria: Ambry Variant Classification Scheme 2023. Collection method: clinical testing. Allele origin: germline.